The following is an entry in ClinVar:

NM_007315.4(STAT1):c.1632+5G>A

Gene: STAT1 (signal transducer and activator of transcription 1; minus strand). Cytogenetic location: 2q32.2.
Variant type: single nucleotide variant.
Coding change: c.1632+5G>A on transcript NM_007315.4 (MANE Select); 5 bases into the intron after coding-DNA position 1632, G replaced by A.
Molecular consequence: intron variant.
Genome position (GRCh38, 1-based): chr2:190,980,615, C>T on the plus strand (G>A on the coding strand, the complement: STAT1 is on the minus strand). VCF-style: chr2-190980615-C-T. GRCh37 (hg19) VCF-style: chr2-191845341-C-T.
Other names: c.1542+5G>A (NM_001384890.1); c.1533+5G>A (NM_001384883.1); c.1473+5G>A (NM_001384885.1); c.1539+5G>A (NM_001384887.1); c.1572+5G>A (NM_001384880.1); c.1602+5G>A (NM_001384888.1); c.1626+5G>A (NM_001384882.1); c.1632+5G>A (NM_001384889.1, NM_001384886.1, NM_139266.3); and 2 more.
Identifiers: ClinVar variation 1019127 (VCV001019127.6), dbSNP rs761686482, ClinGen allele CA2029875.

ClinVar aggregate classification (germline): Uncertain significance (1 of 4 stars; one submission).

Conditions:
Mendelian susceptibility to mycobacterial diseases due to partial STAT1 deficiency. Also called: IMMUNODEFICIENCY 31A, MYCOBACTERIOSIS, AUTOSOMAL DOMINANT; STAT1 DEFICIENCY, AUTOSOMAL DOMINANT; Immunodeficiency 31a. Identifiers: Orphanet 319595, MedGen C4013950, MONDO:0013956, OMIM 614892.
Immunodeficiency 31B. Also called: IMMUNODEFICIENCY 31B, MYCOBACTERIAL AND VIRAL INFECTIONS, AUTOSOMAL RECESSIVE; STAT1 DEFICIENCY, AUTOSOMAL RECESSIVE. Identifiers: Orphanet 391311, MedGen C3151088, MONDO:0013427, OMIM 613796.
Autoimmune enteropathy and endocrinopathy - susceptibility to chronic infections syndrome. Also called: Immunodeficiency 31C, autosomal dominant; Immunodeficiency 31C. Identifiers: Orphanet 391487, MedGen C3279990, MONDO:0013599, OMIM 614162.

Allele frequency attached by ClinVar (database versions not stated): TOPMed 0.00001; ExAC 0.00003; gnomAD 0.00003; gnomAD exomes 0.00003 and 0.00005.
gnomAD v4.1: 76 of 1,614,048 alleles (0.0047%); highest among the groups gnomAD compares: Non-Finnish European, 0.0057%; no homozygotes.

Submission:

Labcorp Genetics (formerly Invitae), Labcorp
Classification: Uncertain significance for Mendelian susceptibility to mycobacterial diseases due to partial STAT1 deficiency; Immunodeficiency 31B; Autoimmune enteropathy and endocrinopathy - susceptibility to chronic infections syndrome. Last evaluated: 2024-09-16. Review status: criteria provided, single submitter. Criteria: Invitae Variant Classification Sherloc (09022015). Collection method: clinical testing. Allele origin: germline.
Comment: This sequence change falls in intron 19 of the STAT1 gene. It does not directly change the encoded amino acid sequence of the STAT1 protein. It affects a nucleotide within the consensus splice site. This variant is present in population databases (rs761686482, gnomAD 0.007%). This variant has not been reported in the literature in individuals affected with STAT1-related conditions. ClinVar contains an entry for this variant (Variation ID: 1019127). Variants that disrupt the consensus splice site are a relatively common cause of aberrant splicing (PMID: 17576681, 9536098). Algorithms developed to predict the effect of sequence changes on RNA splicing suggest that this variant may disrupt the consensus splice site. In summary, the available evidence is currently insufficient to determine the role of this variant in disease. Therefore, it has been classified as a Variant of Uncertain Significance.

Literature cited by the submitters: PubMed 17576681; PubMed 9536098.